The following is an entry in ClinVar:

ClinVar aggregate classification (germline): Uncertain significance (1 of 4 stars; one submission).

Allele frequency attached by ClinVar (database versions not stated): gnomAD exomes below 0.00001; TOPMed 0.00001.

Submission:

Labcorp Genetics (formerly Invitae), Labcorp
Classification: Uncertain significance. Last evaluated: 2020-06-29. Review status: criteria provided, single submitter. Criteria: Invitae Variant Classification Sherloc (09022015). Collection method: clinical testing. Allele origin: germline.
Comment: This sequence change replaces asparagine with aspartic acid at codon 363 of the RECQL protein (p.Asn363Asp). The asparagine residue is highly conserved and there is a small physicochemical difference between asparagine and aspartic acid. This variant is not present in population databases (ExAC no frequency). This variant has not been reported in the literature in individuals with RECQL-related conditions. Algorithms developed to predict the effect of missense changes on protein structure and function (SIFT, PolyPhen-2, Align-GVGD) all suggest that this variant is likely to be tolerated, but these predictions have not been confirmed by published functional studies and their clinical significance is uncertain. In summary, the available evidence is currently insufficient to determine the role of this variant in disease. Therefore, it has been classified as a Variant of Uncertain Significance.

NM_002907.4(RECQL):c.1087A>G (p.Asn363Asp)

Gene: RECQL (RecQ like helicase; minus strand). Cytogenetic location: 12p12.1.
Variant type: single nucleotide variant.
Coding change: c.1087A>G on transcript NM_002907.4 (MANE Select); coding-DNA position 1087, A replaced by G.
Protein change: p.Asn363Asp; replaces asparagine 363 with aspartic acid.
Molecular consequence: missense variant.
Genome position (GRCh38, 1-based): chr12:21,475,687, T>C on the plus strand (A>G on the coding strand, the complement: RECQL is on the minus strand). VCF-style: chr12-21475687-T-C. GRCh37 (hg19) VCF-style: chr12-21628621-T-C.
Other names: c.1087A>G, p.Asn363Asp (NM_032941.3); short protein forms N363D.
Identifiers: ClinVar variation 1006349 (VCV001006349.8), dbSNP rs1943072365, ClinGen allele CA384121119.